The following is an entry in ClinVar:

NM_000199.5(SGSH):c.637dup (p.Gln213fs)

Gene: SGSH (N-sulfoglucosamine sulfohydrolase; minus strand). Cytogenetic location: 17q25.3.
Variant type: Duplication.
Coding change: c.637dup on transcript NM_000199.5 (MANE Select); coding-DNA position 637, one base duplicated (C; older notation c.637dupC).
Protein change: p.Gln213fs; shifts the reading frame from glutamine 213.
Molecular consequence: frameshift variant. On other transcripts: non-coding transcript variant (1).
Genome position (GRCh38, 1-based): chr17:80,214,198, G duplicated on the plus strand (C on the coding strand, the reverse complement: SGSH is on the minus strand); the first of 6 consecutive G bases (chr17:80,214,198-80,214,203); duplicating any one gives the same sequence. VCF-style (leftmost placement, unchanged base first): chr17-80214197-T-TG. GRCh37 (hg19) VCF-style: chr17-78187996-T-TG.
Other names: c.637dupC (NM_000199.4); c.637dup, p.Gln213fs (NM_001352921.3, NM_001352922.2); short protein forms Q213fs.
Identifiers: ClinVar variation 1454978 (VCV001454978.8), dbSNP rs2144742329, ClinGen allele CA2573155029.

ClinVar aggregate classification (germline): Pathogenic/Likely pathogenic. Review status: criteria provided, multiple submitters, no conflicts (2 of 4 stars). 3 submissions from 3 submitters: Pathogenic (2); Likely pathogenic (1). Last evaluated 2024-11-21.

Conditions:
Mucopolysaccharidosis, MPS-III-A (MPS3A). Also called: HEPARAN SULFATE SULFATASE DEFICIENCY; SANFILIPPO SYNDROME A; SULFAMIDASE DEFICIENCY; MPS III A; MPS IIIA (Sanfilippo Syndrome Type A); Mucopolysaccharidosis type IIIA (Sanfilippo A). Identifiers: Orphanet 581, Orphanet 79269, MedGen C0086647, MONDO:0009655, OMIM 252900.

Submissions (3):

Natera, Inc.
Classification: Likely pathogenic for Mucopolysaccharidosis type IIIA. Last evaluated: 2024-11-21. Review status: criteria provided, single submitter. Criteria: Natera Variant Classification Schema (03/2026). Collection method: clinical testing. Allele origin: germline.
Comment: The c.637dupC variant in SGSH is a frameshift variant predicted to shift the reading frame beginning at codon 213 and leads to a stop codon 47 codons downstream. This variant is expected to result in nonsense mediated decay, truncation, or a dysfunctional protein product. This variant is rare in the general population with a frequency below the threshold expected for the associated phenotype(s). Given the available evidence, this variant is classified as Likely Pathogenic.

3billion
Classification: Pathogenic for Mucopolysaccharidosis, MPS-III-A. Last evaluated: 2024-08-13. Review status: criteria provided, single submitter. Criteria: ACMG Guidelines, 2015. Collection method: clinical testing. Allele origin: germline. Affected: yes.
Comment: The variant is observed at an extremely low frequency in the gnomAD v4.0.0 dataset (total allele frequency: <0.001%). Predicted Consequence/Location: Frameshift: predicted to result in a loss or disruption of normal protein function through nonsense-mediated decay (NMD) or protein truncation. Multiple pathogenic variants are reported downstream of the variant. The variant has been reported to be associated with SGSH related disorder (ClinVar ID: VCV001454978). Therefore, this variant is classified as Pathogenic according to the recommendation of ACMG/AMP guideline.

Labcorp Genetics (formerly Invitae), Labcorp
Classification: Pathogenic for Mucopolysaccharidosis, MPS-III-A. Last evaluated: 2021-04-26. Review status: criteria provided, single submitter. Criteria: Invitae Variant Classification Sherloc (09022015). Collection method: clinical testing. Allele origin: germline.
Comment: This sequence change creates a premature translational stop signal (p.Gln213Profs*47) in the SGSH gene. It is expected to result in an absent or disrupted protein product. Loss-of-function variants in SGSH are known to be pathogenic (PMID: 11182930, 21204211, 22976768). This variant is not present in population databases (ExAC no frequency). This variant has not been reported in the literature in individuals with SGSH-related conditions. For these reasons, this variant has been classified as Pathogenic.

Literature cited by the submitters: PubMed 11182930 (cited by Labcorp Genetics (formerly Invitae), Labcorp); PubMed 21204211 (cited by Labcorp Genetics (formerly Invitae), Labcorp); PubMed 22976768 (cited by Labcorp Genetics (formerly Invitae), Labcorp).